The following is an entry in ClinVar:

NM_016035.5(COQ4):c.67dup (p.Ala23fs)

Gene: COQ4 (coenzyme Q4; plus strand). Cytogenetic location: 9q34.11.
Variant type: Duplication.
Coding change: c.67dup on transcript NM_016035.5 (MANE Select); coding-DNA position 67, one base duplicated (G; older notation c.67dupG).
Protein change: p.Ala23fs; shifts the reading frame from alanine 23.
Molecular consequence: frameshift variant.
Genome position (GRCh38, 1-based): chr9:128,322,925, G duplicated; the last of 2 consecutive G bases (chr9:128,322,924-128,322,925); duplicating either gives the same sequence. VCF-style (leftmost placement, unchanged base first): chr9-128322923-C-CG. GRCh37 (hg19) VCF-style: chr9-131085202-C-CG.
Other names: c.67dupG (NM_016035.4); c.67dup, p.Ala23fs (NM_001305942.2); short protein forms A23fs.
Identifiers: ClinVar variation 476186 (VCV000476186.7), dbSNP rs1554796655, ClinGen allele CA658657907.
Genomic context (GRCh38, chr9:128,322,923, plus strand): 5'-CGACTCTGCTGCGCCCTGTCCTCCGTCGGCTCTGCGGGCTCCCGGGCCTACAGCGGCCTG[C>CG]GGCAGGCAAGTGGCGCCGGGTTCTGGGCGCAGGCGGGAAGGAGCCTGAGGGCGCCCGGCT-3'

ClinVar aggregate classification (germline): Pathogenic (1 of 4 stars; one submission).

Conditions:
Neonatal encephalomyopathy-cardiomyopathy-respiratory distress syndrome. Also called: Coenzyme Q10 deficiency, primary, 7. Identifiers: Orphanet 457185, MedGen C5568562, MONDO:0014562, OMIM 616276.

Submission:

Labcorp Genetics (formerly Invitae), Labcorp
Classification: Pathogenic for Neonatal encephalomyopathy-cardiomyopathy-respiratory distress syndrome. Last evaluated: 2018-09-13. Review status: criteria provided, single submitter. Criteria: Invitae Variant Classification Sherloc (09022015). Collection method: clinical testing. Allele origin: germline.
Comment: For these reasons, this variant has been classified as Pathogenic. While this particular variant has not been reported in the literature, loss-of-function variants in COQ4 are known to be pathogenic (PMID: 25658047, 26185144). This sequence change inserts 1 nucleotide in exon 1 of the COQ4 mRNA (c.67dupG), causing a frameshift at codon 23. This creates a premature translational stop signal (p.Ala23Glyfs*8) and is expected to result in an absent or disrupted protein product.

Literature cited by the submitters: PubMed 25658047; PubMed 26185144.